The following is an entry in ClinVar:

NM_000548.5(TSC2):c.2745C>T (p.Gly915=)

Gene: TSC2 (TSC complex subunit 2; plus strand). Cytogenetic location: 16p13.3.
Variant type: single nucleotide variant.
Coding change: c.2745C>T on transcript NM_000548.5 (MANE Select); coding-DNA position 2745, C replaced by T.
Protein change: p.Gly915=; no amino-acid change (glycine 915 retained).
Molecular consequence: synonymous variant.
Genome position (GRCh38, 1-based): chr16:2,076,493, C>T. VCF-style: chr16-2076493-C-T. GRCh37 (hg19) VCF-style: chr16-2126494-C-T.
Other names: c.2745C>T, p.Gly915= (NM_001077183.3, NM_001114382.3, NM_001363528.2 and 3 more transcripts); c.2634C>T, p.Gly878= (NM_001318827.2); c.2598C>T, p.Gly866= (NM_001318829.2); c.2145C>T, p.Gly715= (NM_001318831.2); c.2778C>T, p.Gly926= (NM_001318832.2).
Identifiers: ClinVar variation 1500878 (VCV001500878.9), dbSNP rs2151393775, ClinGen allele CA492954207.

ClinVar aggregate classification (germline): Benign/Likely benign. Review status: criteria provided, multiple submitters, no conflicts (2 of 4 stars). 2 submissions from 2 submitters: Benign (1); Likely benign (1). Last evaluated 2025-05-22.

Conditions:
Tuberous sclerosis 2 (TSC2). Identifiers: Orphanet 805, MedGen C1860707, MONDO:0013199, OMIM 613254.

Submissions (2):

Myriad Genetics, Inc.
Classification: Benign for Tuberous sclerosis 2. Last evaluated: 2025-05-22. Review status: criteria provided, single submitter. Criteria: Myriad Autosomal Dominant, Autosomal Recessive and X-Linked Classification Criteria (2023). Collection method: clinical testing. Allele origin: unknown.
Comment: This variant is considered benign. This variant is a silent/synonymous amino acid change and it is not expected to impact splicing.

Labcorp Genetics (formerly Invitae), Labcorp
Classification: Likely benign for Tuberous sclerosis 2. Last evaluated: 2024-06-21. Review status: criteria provided, single submitter. Criteria: Invitae Variant Classification Sherloc (09022015). Collection method: clinical testing. Allele origin: germline.